The following is an entry in ClinVar:

NM_033395.2(CEP295):c.6849A>T (p.Glu2283Asp)

Gene: CEP295 (centrosomal protein 295; plus strand). Cytogenetic location: 11q21.
Variant type: single nucleotide variant.
Coding change: c.6849A>T on transcript NM_033395.2 (MANE Select); coding-DNA position 6849, A replaced by T.
Protein change: p.Glu2283Asp; replaces glutamic acid 2283 with aspartic acid.
Molecular consequence: missense variant.
Genome position (GRCh38, 1-based): chr11:93,727,325, A>T. VCF-style: chr11-93727325-A-T. GRCh37 (hg19) VCF-style: chr11-93460491-A-T.
Other names: short protein forms E2283D.
Identifiers: ClinVar variation 2339588 (VCV002339588.4), dbSNP rs536161119, ClinGen allele CA6231001.
Genomic context (GRCh38, chr11:93,727,325, plus strand): 5'-TAGTGAGTGCTCAACAAAACACCAACTAGAAAGCAGAAAGGAAAGTATGGGCTTTGAAGA[A>T]CTATCAAAAAGAGGGGTTGTTACAATGTTACAAAGTCAAGGACTCATTGAAGATAATAAA-3'
Protein context (NP_203753.1, residues 2273-2293): ESRKESMGFE[Glu2283Asp]LSKRGVVTML

ClinVar aggregate classification (germline): Conflicting classifications of pathogenicity. Review status: criteria provided, conflicting classifications (1 of 4 stars). 2 submissions from 2 submitters: Uncertain significance (1); Likely benign (1). Last evaluated 2026-06-01.

Allele frequency attached by ClinVar (database versions not stated): gnomAD 0.00011; gnomAD exomes 0.00011; TOPMed 0.00011; 1000 Genomes Project 30x 0.00016; ExAC 0.00018; 1000 Genomes Project 0.00020.
gnomAD v4.1: 183 of 1,551,594 alleles (0.012%); highest among the groups gnomAD compares: Middle Eastern, 0.32%; 2 homozygotes.

Submissions (2):

CeGaT Center for Human Genetics Tuebingen
Classification: Likely benign. Last evaluated: 2026-06-01. Review status: criteria provided, single submitter. Criteria: CeGaT Center For Human Genetics Tuebingen Variant Classification Criteria Version 2. Collection method: clinical testing. Allele origin: germline. Affected: yes. Observed: 1 variant allele.
Comment: CEP295: BP4, BS2

Ambry Genetics
Classification: Uncertain significance. Last evaluated: 2021-07-21. Review status: criteria provided, single submitter. Criteria: Ambry Variant Classification Scheme 2023. Collection method: clinical testing. Allele origin: germline.